The following is an entry in ClinVar:

ClinVar aggregate classification (germline): Uncertain significance (1 of 4 stars; one submission).

Conditions:
Hyperkalemic periodic paralysis. Also called: Familial hyperkalemic periodic paralysis; Gamstorp disease. Identifiers: Orphanet 682, MedGen C0238357, MONDO:0008224, OMIM 170500, HP:0007215.

Allele frequency attached by ClinVar (database versions not stated): gnomAD exomes below 0.00001.

Submission:

Labcorp Genetics (formerly Invitae), Labcorp
Classification: Uncertain significance for Hyperkalemic periodic paralysis. Last evaluated: 2022-09-01. Review status: criteria provided, single submitter. Criteria: Invitae Variant Classification Sherloc (09022015). Collection method: clinical testing. Allele origin: germline.
Comment: In summary, the available evidence is currently insufficient to determine the role of this variant in disease. Therefore, it has been classified as a Variant of Uncertain Significance. Algorithms developed to predict the effect of missense changes on protein structure and function (SIFT, PolyPhen-2, Align-GVGD) all suggest that this variant is likely to be disruptive. ClinVar contains an entry for this variant (Variation ID: 969857). This missense change has been observed in individual(s) with clinical features of SCN4A-related conditions (Invitae). This variant is not present in population databases (gnomAD no frequency). This sequence change replaces glutamic acid, which is acidic and polar, with lysine, which is basic and polar, at codon 1051 of the SCN4A protein (p.Glu1051Lys).

NM_000334.4(SCN4A):c.3151G>A (p.Glu1051Lys)

Genes: GH-LCR (growth hormone locus control region; plus strand), SCN4A (sodium voltage-gated channel alpha subunit 4; minus strand). Cytogenetic location: 17q23.3.
Variant type: single nucleotide variant.
Coding change: c.3151G>A on transcript NM_000334.4 (MANE Select); coding-DNA position 3151, G replaced by A.
Protein change: p.Glu1051Lys; replaces glutamic acid 1051 with lysine.
Molecular consequence: missense variant.
Genome position (GRCh38, 1-based): chr17:63,948,057, C>T on the plus strand (G>A on the coding strand, the complement: SCN4A is on the minus strand). VCF-style: chr17-63948057-C-T. GRCh37 (hg19) VCF-style: chr17-62025417-C-T.
Other names: short protein forms E1051K.
Identifiers: ClinVar variation 969857 (VCV000969857.10), dbSNP rs1555601786, ClinGen allele CA400621445.